The following is an entry in ClinVar:

NM_015272.5(RPGRIP1L):c.1962A>T (p.Glu654Asp)

Gene: RPGRIP1L (RPGRIP1 like; minus strand). Cytogenetic location: 16q12.2.
Variant type: single nucleotide variant.
Coding change: c.1962A>T on transcript NM_015272.5 (MANE Select); coding-DNA position 1962, A replaced by T.
Protein change: p.Glu654Asp; replaces glutamic acid 654 with aspartic acid.
Molecular consequence: missense variant.
Genome position (GRCh38, 1-based): chr16:53,652,725, T>A on the plus strand (A>T on the coding strand, the complement: RPGRIP1L is on the minus strand). VCF-style: chr16-53652725-T-A. GRCh37 (hg19) VCF-style: chr16-53686637-T-A.
Other names: c.1962A>T, p.Glu654Asp (NM_001127897.4, NM_001308334.3, NM_001330538.2); c.1962A>T (NM_015272.4); short protein forms E654D.
Identifiers: ClinVar variation 887796 (VCV000887796.10), dbSNP rs201737322, ClinGen allele CA281344026.

ClinVar aggregate classification (germline): Uncertain significance. Review status: criteria provided, multiple submitters, no conflicts (2 of 4 stars). 6 submissions from 4 submitters: Uncertain significance (4). 2 of the submissions do not count toward it. Last evaluated 2022-03-10.

Conditions:
Joubert syndrome 7 (JBTS7). Identifiers: Orphanet 220497, MedGen C1969053, MONDO:0012694, OMIM 611560.
Joubert syndrome. Also called: Familial aplasia of the vermis; JOUBERT-BOLTSHAUSER SYNDROME. Identifiers: Orphanet 475, MedGen C5979921, MONDO:0018772.
Meckel-Gruber syndrome. Also called: DYSENCEPHALIA SPLANCHNOCYSTICA; GRUBER SYNDROME; Dysencephalia splachnocystica. Identifiers: Orphanet 564, MedGen C0265215, MONDO:0018921.
RPGRIP1L-related disorder. Also called: RPGRIP1L-related disorders; RPGRIP1L-related condition. Identifiers: MedGen CN239416.
Nephronophthisis 8. Identifiers: MedGen CN119610.
Meckel syndrome, type 5 (MKS5). Identifiers: Orphanet 564, MedGen C1969052, MONDO:0012695, OMIM 611561.

Allele frequency attached by ClinVar (database versions not stated): gnomAD 0.00001; gnomAD exomes 0.00001; TOPMed below 0.00001.

Submissions (6):

Labcorp Genetics (formerly Invitae), Labcorp
Classification: Uncertain significance for Joubert syndrome; Meckel-Gruber syndrome. Last evaluated: 2022-03-10. Review status: criteria provided, single submitter. Criteria: Invitae Variant Classification Sherloc (09022015). Collection method: clinical testing. Allele origin: germline.
Comment: This sequence change replaces glutamic acid, which is acidic and polar, with aspartic acid, which is acidic and polar, at codon 654 of the RPGRIP1L protein (p.Glu654Asp). This variant is present in population databases (rs201737322, gnomAD 0.003%). This variant has not been reported in the literature in individuals affected with RPGRIP1L-related conditions. ClinVar contains an entry for this variant (Variation ID: 887796). Algorithms developed to predict the effect of missense changes on protein structure and function (SIFT, PolyPhen-2, Align-GVGD) all suggest that this variant is likely to be tolerated. In summary, the available evidence is currently insufficient to determine the role of this variant in disease. Therefore, it has been classified as a Variant of Uncertain Significance.

Illumina Laboratory Services, Illumina
Classification: Uncertain significance for Joubert syndrome 7. Last evaluated: 2018-01-13. Review status: criteria provided, single submitter. Criteria: ICSL Variant Classification Criteria 13 December 2019. Collection method: clinical testing. Allele origin: germline.

Illumina Laboratory Services, Illumina
Classification: Uncertain significance for Meckel syndrome, type 5. Last evaluated: 2018-01-13. Review status: criteria provided, single submitter. Criteria: ICSL Variant Classification Criteria 13 December 2019. Collection method: clinical testing. Allele origin: germline.

Illumina Laboratory Services, Illumina
Classification: Uncertain significance for Nephronophthisis 8. Last evaluated: 2018-01-13. Review status: criteria provided, single submitter. Criteria: ICSL Variant Classification Criteria 13 December 2019. Collection method: clinical testing. Allele origin: germline.

PreventionGenetics, part of Exact Sciences
Classification: Uncertain significance for RPGRIP1L-related condition. Last evaluated: 2024-07-30. Review status: no assertion criteria provided. Collection method: clinical testing. Allele origin: germline. Not counted in ClinVar's aggregate classification.
Comment: The RPGRIP1L c.1962A>T variant is predicted to result in the amino acid substitution p.Glu654Asp. To our knowledge, this variant has not been reported in the literature. This variant is reported in 0.0031% of alleles in individuals of European (Non-Finnish) descent in gnomAD. At this time, the clinical significance of this variant is uncertain due to the absence of conclusive functional and genetic evidence.

Natera, Inc.
Classification: Uncertain significance for Joubert syndrome. Last evaluated: 2020-11-05. Review status: no assertion criteria provided. Collection method: clinical testing. Allele origin: germline. Not counted in ClinVar's aggregate classification.